The following is an entry in ClinVar:

ClinVar aggregate classification (germline): Uncertain significance (1 of 4 stars; one submission).

Conditions:
Hereditary cancer-predisposing syndrome. Also called: Neoplastic Syndromes, Hereditary; Tumor predisposition; Hereditary Cancer Syndrome; Hereditary neoplastic syndrome. Identifiers: Orphanet 140162, MedGen C0027672, MeSH D009386, MONDO:0015356.

Submission:

Ambry Genetics
Classification: Uncertain significance for Hereditary cancer-predisposing syndrome. Last evaluated: 2026-03-21. Review status: criteria provided, single submitter. Criteria: Ambry Variant Classification Scheme 2023. Collection method: clinical testing. Allele origin: germline.
Comment: The p.E19D variant (also known as c.57G>C), located in coding exon 1 of the PRKAR1A gene, results from a G to C substitution at nucleotide position 57. The glutamic acid at codon 19 is replaced by aspartic acid, an amino acid with highly similar properties. This amino acid position is conserved. In addition, the in silico prediction for this alteration is inconclusive. Based on the available evidence, the clinical significance of this variant remains unclear.

NM_002734.5(PRKAR1A):c.57G>C (p.Glu19Asp)

Gene: PRKAR1A (protein kinase cAMP-dependent type I regulatory subunit alpha; plus strand). Cytogenetic location: 17q24.2.
Variant type: single nucleotide variant.
Coding change: c.57G>C on transcript NM_002734.5 (MANE Select); coding-DNA position 57, G replaced by C.
Protein change: p.Glu19Asp; replaces glutamic acid 19 with aspartic acid.
Molecular consequence: missense variant.
Genome position (GRCh38, 1-based): chr17:68,515,456, G>C. VCF-style: chr17-68515456-G-C. GRCh37 (hg19) VCF-style: chr17-66511597-G-C.
Other names: c.57G>C, p.Glu19Asp (NM_212471.3, NM_212472.2, NM_001276289.2 and 4 more transcripts); short protein forms E19D.
Identifiers: ClinVar variation 4862504 (VCV004862504.1).